The following is an entry in ClinVar:

NM_033028.5(BBS4):c.1303G>A (p.Val435Ile)

Gene: BBS4 (Bardet-Biedl syndrome 4; plus strand). Cytogenetic location: 15q24.1.
Variant type: single nucleotide variant.
Coding change: c.1303G>A on transcript NM_033028.5 (MANE Select); coding-DNA position 1303, G replaced by A.
Protein change: p.Val435Ile; replaces valine 435 with isoleucine.
Molecular consequence: missense variant. On other transcripts: non-coding transcript variant (2).
Genome position (GRCh38, 1-based): chr15:72,736,816, G>A. VCF-style: chr15-72736816-G-A. GRCh37 (hg19) VCF-style: chr15-73029157-G-A.
Other names: c.787G>A, p.Val263Ile (NM_001252678.2); c.1234G>A, p.Val412Ile (NM_001320665.2); c.1303G>A (NM_033028.4); short protein forms V412I, V435I, V263I.
Identifiers: ClinVar variation 3260544 (VCV003260544.2).

ClinVar aggregate classification (germline): Uncertain significance. Review status: criteria provided, multiple submitters, no conflicts (2 of 4 stars). 2 submissions from 2 submitters: Uncertain significance (2). Last evaluated 2025-02-06.

Conditions:
BBS4-related disorder. Also called: BBS4-related condition.
Inborn genetic diseases. Identifiers: MedGen C0950123, MeSH D030342.

gnomAD v4.1: 3 of 1,614,200 alleles (0.00019%); highest among the groups gnomAD compares: Non-Finnish European, 0.00025%; no homozygotes.

Submissions (2):

PreventionGenetics, part of Exact Sciences
Classification: Uncertain significance for BBS4-related condition. Last evaluated: 2025-02-06. Review status: criteria provided, single submitter. Criteria: ACMG Guidelines, 2015. Collection method: clinical testing. Allele origin: germline.
Comment: The BBS4 c.1303G>A variant is predicted to result in the amino acid substitution p.Val435Ile. To our knowledge, this variant has not been reported in the literature. This variant is reported in 0.00088% of alleles in individuals of European (Non-Finnish) descent in gnomAD. At this time, the clinical significance of this variant is uncertain due to the absence of conclusive functional and genetic evidence.

Ambry Genetics
Classification: Uncertain significance for Inborn genetic diseases. Last evaluated: 2024-05-14. Review status: criteria provided, single submitter. Criteria: Ambry Variant Classification Scheme 2023. Collection method: clinical testing. Allele origin: germline.